The following is an entry in ClinVar:

ClinVar aggregate classification (germline): Pathogenic (1 of 4 stars; one submission).

Submission:

Labcorp Genetics (formerly Invitae), Labcorp
Classification: Pathogenic. Last evaluated: 2024-02-29. Review status: criteria provided, single submitter. Criteria: Invitae Variant Classification Sherloc (09022015). Collection method: clinical testing. Allele origin: germline.
Comment: This sequence change creates a premature translational stop signal (p.Asp59Glufs*30) in the PODXL gene. It is expected to result in an absent or disrupted protein product. Loss-of-function variants in PODXL are known to be pathogenic (PMID: 30523047). This variant is not present in population databases (gnomAD no frequency). This variant has not been reported in the literature in individuals affected with PODXL-related conditions. For these reasons, this variant has been classified as Pathogenic.

Literature cited by the submitters: PubMed 30523047.

NM_001018111.3(PODXL):c.176dup (p.Asp59fs)

Gene: PODXL (podocalyxin like; minus strand). Cytogenetic location: 7q32.3.
Variant type: Duplication.
Coding change: c.176dup on transcript NM_001018111.3 (MANE Select); coding-DNA position 176, one base duplicated (A; older notation c.176dupA).
Protein change: p.Asp59fs; shifts the reading frame from aspartic acid 59.
Molecular consequence: frameshift variant.
Genome position (GRCh38, 1-based): chr7:131,511,358, T duplicated on the plus strand (A on the coding strand, the reverse complement: PODXL is on the minus strand). VCF-style (leftmost placement, unchanged base first): chr7-131511357-A-AT. GRCh37 (hg19) VCF-style: chr7-131196116-A-AT.
Other names: c.176dup, p.Asp59fs (NM_005397.4); short protein forms D59fs.
Identifiers: ClinVar variation 3643770 (VCV003643770.2).